The following is an entry in ClinVar:

NM_030632.3(ASXL3):c.99A>G (p.Ile33Met)

Gene: ASXL3 (ASXL transcriptional regulator 3; plus strand). Cytogenetic location: 18q12.1.
Variant type: single nucleotide variant.
Coding change: c.99A>G on transcript NM_030632.3 (MANE Select); coding-DNA position 99, A replaced by G.
Protein change: p.Ile33Met; replaces isoleucine 33 with methionine.
Molecular consequence: missense variant.
Genome position (GRCh38, 1-based): chr18:33,607,638, A>G. VCF-style: chr18-33607638-A-G. GRCh37 (hg19) VCF-style: chr18-31187602-A-G.
Other names: short protein forms I33M.
Identifiers: ClinVar variation 4071814 (VCV004071814.1).
Genomic context (GRCh38, chr18:33,607,638, plus strand): 5'-TATGTTTATATTTTAGGCACTAGAAAAACACCCCAACTCACCAATGACAGCAAAGCAGAT[A>G]TTGGAAGTCATTCAGAAAGAAGGGTTAAAAGAAACAAGGTCAGTATCCATATTTAAAACA-3'
Protein context (NP_085135.1, residues 23-43): HPNSPMTAKQ[Ile33Met]LEVIQKEGLK

ClinVar aggregate classification (germline): Uncertain significance (1 of 4 stars; one submission).

Submission:

GeneDx
Classification: Uncertain significance. Last evaluated: 2025-01-27. Review status: criteria provided, single submitter. Criteria: GeneDx Variant Classification Process June 2021. Collection method: clinical testing. Allele origin: germline. Affected: yes.
Comment: Not observed at significant frequency in large population cohorts (gnomAD); In silico analysis indicates that this missense variant does not alter protein structure/function; Has not been previously published as pathogenic or benign to our knowledge